The following is an entry in ClinVar:

ClinVar aggregate classification (germline): Uncertain significance (1 of 4 stars; one submission).

gnomAD v4.1: 21 of 1,608,280 alleles (0.0013%); highest among the groups gnomAD compares: African/African-American, 0.0027%; no homozygotes.

Submission:

Labcorp Genetics (formerly Invitae), Labcorp
Classification: Uncertain significance. Last evaluated: 2024-06-21. Review status: criteria provided, single submitter. Criteria: Invitae Variant Classification Sherloc (09022015). Collection method: clinical testing. Allele origin: germline.
Comment: This sequence change replaces valine, which is neutral and non-polar, with methionine, which is neutral and non-polar, at codon 1242 of the SUCO protein (p.Val1242Met). This variant is present in population databases (rs748073320, gnomAD 0.002%). This variant has not been reported in the literature in individuals affected with SUCO-related conditions. An algorithm developed to predict the effect of missense changes on protein structure and function (PolyPhen-2) suggests that this variant is likely to be disruptive. In summary, the available evidence is currently insufficient to determine the role of this variant in disease. Therefore, it has been classified as a Variant of Uncertain Significance.

NM_014283.5(SUCO):c.3724G>A (p.Val1242Met)

Gene: SUCO (SUN domain containing ossification factor; plus strand). Cytogenetic location: 1q24.3.
Variant type: single nucleotide variant.
Coding change: c.3724G>A on transcript NM_014283.5 (MANE Select); coding-DNA position 3724, G replaced by A.
Protein change: p.Val1242Met; replaces valine 1242 with methionine.
Molecular consequence: missense variant.
Genome position (GRCh38, 1-based): chr1:172,610,218, G>A. VCF-style: chr1-172610218-G-A. GRCh37 (hg19) VCF-style: chr1-172579358-G-A.
Other names: c.2611G>A, p.Val871Met (NM_001282750.2); c.2035G>A, p.Val679Met (NM_001282751.2); c.4177G>A, p.Val1393Met (NM_016227.4); short protein forms V1242M, V1393M, V679M, V871M.
Identifiers: ClinVar variation 3628258 (VCV003628258.2).